The following is an entry in ClinVar:

ClinVar aggregate classification (germline): Conflicting classifications of pathogenicity. Review status: criteria provided, conflicting classifications (1 of 4 stars). 4 submissions from 4 submitters: Uncertain significance (1); Likely benign (3). Last evaluated 2025-12-23.

Conditions:
LAMA2-related muscular dystrophy (LAMA2-RD). Also called: Laminin alpha 2-related dystrophy. Identifiers: MedGen C5679788, MONDO:0100228.

Allele frequency attached by ClinVar (database versions not stated): gnomAD exomes 0.00018; ExAC 0.00019; ESP Exome Variant Server 0.00031; TOPMed 0.00053; gnomAD 0.00056; 1000 Genomes Project 30x 0.00062; 1000 Genomes Project 0.00080.
gnomAD v4.1: 176 of 1,610,852 alleles (0.011%); highest among the groups gnomAD compares: African/African-American, 0.18%; 1 homozygote.

Submissions (4):

Labcorp Genetics (formerly Invitae), Labcorp
Classification: Likely benign for LAMA2-related muscular dystrophy. Last evaluated: 2025-12-23. Review status: criteria provided, single submitter. Criteria: Invitae Variant Classification Sherloc (09022015). Collection method: clinical testing. Allele origin: germline.

GeneDx
Classification: Uncertain significance. Last evaluated: 2025-02-27. Review status: criteria provided, single submitter. Criteria: GeneDx Variant Classification Process June 2021. Collection method: clinical testing. Allele origin: germline. Affected: yes.
Comment: In silico analysis indicates that this missense variant does not alter protein structure/function; Has not been previously published as pathogenic or benign to our knowledge

CeGaT Center for Human Genetics Tuebingen
Classification: Likely benign. Last evaluated: 2024-11-01. Review status: criteria provided, single submitter. Criteria: CeGaT Center For Human Genetics Tuebingen Variant Classification Criteria Version 2. Collection method: clinical testing. Allele origin: germline. Affected: yes. Observed: 2 variant alleles.
Comment: LAMA2: BP4

Blueprint Genetics
Classification: Likely benign. Last evaluated: 2024-07-12. Review status: criteria provided, single submitter. Criteria: ACMG Guidelines, 2015. Collection method: clinical testing. Allele origin: germline.

NM_000426.4(LAMA2):c.5531G>A (p.Arg1844His)

Gene: LAMA2 (laminin subunit alpha 2; plus strand). Cytogenetic location: 6q22.33.
Variant type: single nucleotide variant.
Coding change: c.5531G>A on transcript NM_000426.4 (MANE Select); coding-DNA position 5531, G replaced by A.
Protein change: p.Arg1844His; replaces arginine 1844 with histidine.
Molecular consequence: missense variant.
Genome position (GRCh38, 1-based): chr6:129,401,309, G>A. VCF-style: chr6-129401309-G-A. GRCh37 (hg19) VCF-style: chr6-129722454-G-A.
Other names: c.5531G>A, p.Arg1844His (NM_001079823.2); short protein forms R1844H.
Identifiers: ClinVar variation 703819 (VCV000703819.42), dbSNP rs150691000, ClinGen allele CA3993906.